The following is an entry in ClinVar:

NM_002335.4(LRP5):c.4400G>A (p.Arg1467Gln)

Gene: LRP5 (LDL receptor related protein 5; plus strand). Cytogenetic location: 11q13.2.
Variant type: single nucleotide variant.
Coding change: c.4400G>A on transcript NM_002335.4 (MANE Select); coding-DNA position 4400, G replaced by A.
Protein change: p.Arg1467Gln; replaces arginine 1467 with glutamine.
Molecular consequence: missense variant.
Genome position (GRCh38, 1-based): chr11:68,439,828, G>A. VCF-style: chr11-68439828-G-A. GRCh37 (hg19) VCF-style: chr11-68207296-G-A.
Other names: c.4400G>A (NM_002335.3); c.2657G>A, p.Arg886Gln (NM_001291902.2); short protein forms R1467Q, R886Q.
Identifiers: ClinVar variation 1489040 (VCV001489040.8), dbSNP rs150332207, ClinGen allele CA6150347.
Genomic context (GRCh38, chr11:68,439,828, plus strand): 5'-CCCTGCCAGGCATCGCATGCGGAAAGTCCATGATGAGCTCCGTGAGCCTGATGGGGGGCC[G>A]GGGCGGGGTGCCCCTCTACGACCGGAACCACGTCACAGGGGCCTCGTCCAGCAGCTCGTC-3'
Protein context (NP_002326.2, residues 1457-1477): MMSSVSLMGG[Arg1467Gln]GGVPLYDRNH

ClinVar aggregate classification (germline): Uncertain significance. Review status: criteria provided, multiple submitters, no conflicts (2 of 4 stars). 3 submissions from 3 submitters: Uncertain significance (3). Last evaluated 2026-05-07.

Conditions:
Polycystic liver disease 4 with or without kidney cysts. Identifiers: MedGen C4693479, MONDO:0044327, OMIM 617875.
Exudative vitreoretinopathy 4 (EVR4). Identifiers: Orphanet 891, MedGen C1866176, MONDO:0011151, OMIM 601813.
Osteoporosis with pseudoglioma (OPPG). Also called: osteoporosis-pseudoglioma syndrome. Identifiers: Orphanet 2788, MedGen C0432252, MONDO:0009820, OMIM 259770.
Worth disease. Also called: Autosomal dominant osteosclerosis, Worth type; OSTEOSCLEROSIS, AUTOSOMAL DOMINANT; ENDOSTEAL HYPEROSTOSIS, AUTOSOMAL DOMINANT. Identifiers: Orphanet 2790, MedGen C0432273, MONDO:0007764, OMIM 144750.
Bone mineral density quantitative trait locus 1 (BMND1). Identifiers: MedGen C1866079, OMIM 601884.
Autosomal dominant osteopetrosis 1 (OPTA1). Also called: OSTEOPETROSIS, AUTOSOMAL DOMINANT, TYPE I. Identifiers: Orphanet 2783, MedGen C1843330, MONDO:0011877, OMIM 607634.
LRP5-related disorder. Also called: LRP5-related condition.

Allele frequency attached by ClinVar (database versions not stated): gnomAD 0.00002 and 0.00007; TOPMed 0.00002; gnomAD exomes 0.00003 and 0.00005; ExAC 0.00007; ESP Exome Variant Server 0.00015; 1000 Genomes Project 30x 0.00094; 1000 Genomes Project 0.00120.
gnomAD v4.1: 63 of 1,611,228 alleles (0.0039%); highest among the groups gnomAD compares: South Asian, 0.051%; no homozygotes.

Submissions (3):

PreventionGenetics, part of Exact Sciences
Classification: Uncertain significance for LRP5-related condition. Last evaluated: 2026-05-07. Review status: criteria provided, single submitter. Criteria: ACMG Guidelines, 2015. Collection method: clinical testing. Allele origin: germline.
Comment: The LRP5 c.4400G>A variant is predicted to result in the amino acid substitution p.Arg1467Gln. To our knowledge, this variant has not been reported in the literature. This variant is reported in 0.030% of alleles in individuals of South Asian descent in gnomAD. At this time, the clinical significance of this variant is uncertain due to the absence of conclusive functional and genetic evidence.

Labcorp Genetics (formerly Invitae), Labcorp
Classification: Uncertain significance. Last evaluated: 2025-06-22. Review status: criteria provided, single submitter. Criteria: Invitae Variant Classification Sherloc (09022015). Collection method: clinical testing. Allele origin: germline.
Comment: This sequence change replaces arginine, which is basic and polar, with glutamine, which is neutral and polar, at codon 1467 of the LRP5 protein (p.Arg1467Gln). This variant is present in population databases (rs150332207, gnomAD 0.03%). This variant has not been reported in the literature in individuals affected with LRP5-related conditions. ClinVar contains an entry for this variant (Variation ID: 1489040). Invitae Evidence Modeling of protein sequence and biophysical properties (such as structural, functional, and spatial information, amino acid conservation, physicochemical variation, residue mobility, and thermodynamic stability) indicates that this missense variant is not expected to disrupt LRP5 protein function with a negative predictive value of 95%. In summary, the available evidence is currently insufficient to determine the role of this variant in disease. Therefore, it has been classified as a Variant of Uncertain Significance.

Fulgent Genetics
Classification: Uncertain significance for Worth disease; Osteoporosis with pseudoglioma; Exudative vitreoretinopathy 4; Bone mineral density quantitative trait locus 1; Autosomal dominant osteopetrosis 1; Polycystic liver disease 4 with or without kidney cysts. Last evaluated: 2024-05-13. Review status: criteria provided, single submitter. Criteria: ACMG Guidelines, 2015. Collection method: clinical testing. Allele origin: germline.